The following is an entry in ClinVar:

NM_024675.4(PALB2):c.1467_1468del (p.Pro490fs)

Gene: PALB2 (partner and localizer of BRCA2; minus strand). Cytogenetic location: 16p12.2.
Variant type: Microsatellite.
Coding change: c.1467_1468del on transcript NM_024675.4 (MANE Select); coding-DNA positions 1467 to 1468, 2 bases deleted (TC; older notation c.1467_1468delTC).
Protein change: p.Pro490fs; shifts the reading frame from proline 490.
Molecular consequence: frameshift variant.
Genome position (GRCh38, 1-based): chr16:23,635,078-23,635,079, GA deleted on the plus strand (TC on the coding strand, the reverse complement: PALB2 is on the minus strand); deleting any 2 consecutive bases within chr16:23,635,078-23,635,082 gives the same sequence; the c. name uses the placement nearest the transcript's 3' end. VCF-style (leftmost placement, unchanged base first): chr16-23635077-GGA-G. GRCh37 (hg19) VCF-style: chr16-23646398-GGA-G.
Other names: c.1467_1468delTC (NM_024675.3); short protein forms P490fs.
Identifiers: ClinVar variation 245813 (VCV000245813.10), dbSNP rs879253960, ClinGen allele CA10584519.

ClinVar aggregate classification (germline): Pathogenic/Likely pathogenic. Review status: criteria provided, multiple submitters, no conflicts (2 of 4 stars). 2 submissions from 2 submitters: Pathogenic (1); Likely pathogenic (1). Last evaluated 2023-12-25.

Conditions:
Familial cancer of breast. Also called: Hereditary breast cancer; BREAST CANCER, FAMILIAL; hereditary breast carcinoma. Identifiers: Orphanet 227535, MedGen C0346153, MONDO:0016419, OMIM 114480. Disease mechanism: loss of function.

Submissions (2):

Labcorp Genetics (formerly Invitae), Labcorp
Classification: Pathogenic for Familial cancer of breast. Last evaluated: 2023-12-25. Review status: criteria provided, single submitter. Criteria: Invitae Variant Classification Sherloc (09022015). Collection method: clinical testing. Allele origin: germline.
Comment: This sequence change creates a premature translational stop signal (p.Pro490Argfs*5) in the PALB2 gene. It is expected to result in an absent or disrupted protein product. Loss-of-function variants in PALB2 are known to be pathogenic (PMID: 17200668, 17200671, 17200672, 24136930, 25099575). This variant is not present in population databases (gnomAD no frequency). This premature translational stop signal has been observed in individual(s) with ovarian cancer (PMID: 30322717). ClinVar contains an entry for this variant (Variation ID: 245813). For these reasons, this variant has been classified as Pathogenic.

GeneDx
Classification: Likely pathogenic. Last evaluated: 2015-12-18. Review status: criteria provided, single submitter. Criteria: GeneDx Variant Classification (06012015). Collection method: clinical testing. Allele origin: germline. Affected: yes.
Comment: This deletion of 2 nucleotides in PALB2 is denoted c.1467_1468delTC at the cDNA level and p.Pro490ArgfsX5 (P490RfsX5) at the protein level. The normal sequence, with the bases that are deleted in braces, is GCTC[TC]CCGC. The deletion causes a frameshift, which changes a Proline to an Arginine at codon 490, and creates a premature stop codon at position 5 of the new reading frame. Although this variant has not, to our knowledge, been reported in the literature, it is predicted to cause loss of normal protein function through either protein truncation or nonsense-mediated mRNA decay. We consider this variant to be likely pathogenic.

Literature cited by the submitters: PubMed 17200668 (cited by Labcorp Genetics (formerly Invitae), Labcorp); PubMed 17200671 (cited by Labcorp Genetics (formerly Invitae), Labcorp); PubMed 17200672 (cited by Labcorp Genetics (formerly Invitae), Labcorp); PubMed 24136930 (cited by Labcorp Genetics (formerly Invitae), Labcorp); PubMed 25099575 (cited by Labcorp Genetics (formerly Invitae), Labcorp); PubMed 30322717 (cited by Labcorp Genetics (formerly Invitae), Labcorp).